The following is an entry in ClinVar:

NM_015272.5(RPGRIP1L):c.3352T>C (p.Phe1118Leu)

Gene: RPGRIP1L (RPGRIP1 like; minus strand). Cytogenetic location: 16q12.2.
Variant type: single nucleotide variant.
Coding change: c.3352T>C on transcript NM_015272.5 (MANE Select); coding-DNA position 3352, T replaced by C.
Protein change: p.Phe1118Leu; replaces phenylalanine 1118 with leucine.
Molecular consequence: missense variant. On other transcripts: intron variant (2).
Genome position (GRCh38, 1-based): chr16:53,622,299, A>G on the plus strand (T>C on the coding strand, the complement: RPGRIP1L is on the minus strand). VCF-style: chr16-53622299-A-G. GRCh37 (hg19) VCF-style: chr16-53656211-A-G.
Other names: c.3250T>C, p.Phe1084Leu (NM_001330538.2); c.3193-3091T>C (NM_001127897.4); c.3295-3091T>C (NM_001308334.3); short protein forms F1118L, F1084L.
Identifiers: ClinVar variation 4986366 (VCV004986366.1).

ClinVar aggregate classification (germline): Uncertain significance (1 of 4 stars; one submission).

Conditions:
RPGRIP1L-related disorder. Also called: RPGRIP1L-related disorders; RPGRIP1L-related condition. Identifiers: MedGen CN239416.

gnomAD v4.1: 8 of 653,802 alleles (0.0012%); highest among the groups gnomAD compares: East Asian, 0.023%; no homozygotes.

Submission:

PreventionGenetics, part of Exact Sciences
Classification: Uncertain significance for RPGRIP1L-related condition. Last evaluated: 2025-02-03. Review status: criteria provided, single submitter. Criteria: ACMG Guidelines, 2015. Collection method: clinical testing. Allele origin: germline.
Comment: The RPGRIP1L c.3352T>C variant is predicted to result in the amino acid substitution p.Phe1118Leu. To our knowledge, this variant has not been reported in the literature. This variant is reported in 0.036% of alleles in individuals of East Asian descent in gnomAD. At this time, the clinical significance of this variant is uncertain due to the absence of conclusive functional and genetic evidence.